The following is an entry in ClinVar:

NM_000018.4(ACADVL):c.1284G>A (p.Lys428=)

Gene: ACADVL (acyl-CoA dehydrogenase very long chain; plus strand). Cytogenetic location: 17p13.1.
Variant type: single nucleotide variant.
Coding change: c.1284G>A on transcript NM_000018.4 (MANE Select); coding-DNA position 1284, G replaced by A.
Protein change: p.Lys428=; no amino-acid change (lysine 428 retained).
Molecular consequence: synonymous variant.
Genome position (GRCh38, 1-based): chr17:7,223,827, G>A. VCF-style: chr17-7223827-G-A. GRCh37 (hg19) VCF-style: chr17-7127146-G-A.
Other names: NM_000018.4(ACADVL):c.1284G>A; p.Lys428=; c.1218G>A, p.Lys406= (NM_001033859.3); c.1353G>A, p.Lys451= (NM_001270447.2); c.1056G>A, p.Lys352= (NM_001270448.2).
Identifiers: ClinVar variation 21014 (VCV000021014.48), dbSNP rs35501596, ClinGen allele CA341515.

ClinVar aggregate classification (germline): Likely benign. Review status: reviewed by expert panel (3 of 4 stars). 7 submissions from 7 submitters: Likely benign (1). 6 of the submissions do not count toward it. Last evaluated 2025-04-22.

Conditions:
Inborn genetic diseases. Identifiers: MedGen C0950123, MeSH D030342.
Very long chain acyl-CoA dehydrogenase deficiency (ACADVLD). Also called: Very Long-Chain Acyl-Coenzyme A Dehydrogenase Deficiency; VLCAD Deficiency. Identifiers: Orphanet 26793, MedGen C3887523, MONDO:0008723, OMIM 201475.

Allele frequency attached by ClinVar (database versions not stated): TOPMed 0.00071; ExAC 0.00074; gnomAD exomes 0.00074 and 0.00095; 1000 Genomes Project 30x 0.00047; 1000 Genomes Project 0.00060; gnomAD 0.00061 and 0.00067; ESP Exome Variant Server 0.00108.
gnomAD v4.1: 1,484 of 1,614,162 alleles (0.092%); highest among the groups gnomAD compares: Middle Eastern, 1.3%; 5 homozygotes.

Submissions (7):

ClinGen ACADVL Variant Curation Expert Panel, ClinGen
Classification: Likely benign for Very long chain acyl-CoA dehydrogenase deficiency. Last evaluated: 2025-04-22. Review status: reviewed by expert panel. Criteria: clingen acadvl acmg specifications v1. Collection method: curation. Allele origin: germline. Inheritance: Autosomal recessive inheritance.
Comment: The c.1284G>A (p.Lys428=) variant (NM_000018.3) is a synonymous (silent) variant that is not predicted by NNSplice, MaxEntScan, and SpliceAI to impact splicing. In addition, it occurs at a nucleotide that is not conserved as shown by phyloP (BP4, BP7). The highest population minor allele frequency in gnomAD v4.1 is 0.001 in Non-Finnish European population (PM2_Supporting, BS1, and BA1 are not met). In summary, this variant meets the criteria to be classified as likely benign for autosomal recessive very long chain acyl-CoA dehydrogenase (VLCAD) deficiency based on the ACMG/AMP criteria applied, as specified by the ClinGen ACADVL Variant Curation Expert Panel: BP4, BP7 (ACADVL VCEP specifications version 1; approved November 9, 2021).

CeGaT Center for Human Genetics Tuebingen
Classification: Likely benign. Last evaluated: 2026-05-01. Review status: criteria provided, single submitter. Criteria: CeGaT Center For Human Genetics Tuebingen Variant Classification Criteria Version 2. Collection method: clinical testing. Allele origin: germline. Affected: yes. Observed: 5 variant alleles. Not counted in ClinVar's aggregate classification.
Comment: ACADVL: BP4, BP7

Labcorp Genetics (formerly Invitae), Labcorp
Classification: Likely benign for Very long chain acyl-CoA dehydrogenase deficiency. Last evaluated: 2026-02-03. Review status: criteria provided, single submitter. Criteria: Invitae Variant Classification Sherloc (09022015). Collection method: clinical testing. Allele origin: germline. Not counted in ClinVar's aggregate classification.

Mayo Clinic Laboratories, Mayo Clinic
Classification: Likely benign. Last evaluated: 2025-09-29. Review status: criteria provided, single submitter. Criteria: ACMG Guidelines, 2015. Collection method: clinical testing. Allele origin: germline. Observed: 4 variant alleles. Not counted in ClinVar's aggregate classification.
Comment: BS1, BP4, BP7

Blueprint Genetics
Classification: Likely benign. Last evaluated: 2024-11-27. Review status: criteria provided, single submitter. Criteria: ACMG Guidelines, 2015. Collection method: clinical testing. Allele origin: germline. Not counted in ClinVar's aggregate classification.

Ambry Genetics
Classification: Likely benign for Inborn genetic diseases. Last evaluated: 2022-04-09. Review status: criteria provided, single submitter. Criteria: Ambry Variant Classification Scheme 2023. Collection method: clinical testing. Allele origin: germline. Not counted in ClinVar's aggregate classification.

GeneDx
Classification: Likely benign. Last evaluated: 2020-06-18. Review status: criteria provided, single submitter. Criteria: GeneDx Variant Classification Process June 2021. Collection method: clinical testing. Allele origin: germline. Affected: yes. Not counted in ClinVar's aggregate classification.